The following is an entry in ClinVar:

NM_001330360.2(POLA1):c.2120T>C (p.Ile707Thr)

Gene: POLA1 (DNA polymerase alpha 1, catalytic subunit; plus strand). Cytogenetic location: Xp22.11.
Variant type: single nucleotide variant.
Coding change: c.2120T>C on transcript NM_001330360.2 (MANE Select); coding-DNA position 2120, T replaced by C.
Protein change: p.Ile707Thr; replaces isoleucine 707 with threonine.
Molecular consequence: missense variant.
Genome position (GRCh38, 1-based): chrX:24,739,454, T>C. VCF-style: chrX-24739454-T-C. GRCh37 (hg19) VCF-style: chrX-24757571-T-C.
Other names: c.2045T>C, p.Ile682Thr (NM_001378303.1); c.2102T>C, p.Ile701Thr (NM_016937.4); short protein forms I682T, I701T, I707T.
Identifiers: ClinVar variation 3707115 (VCV003707115.2).
Genomic context (GRCh38, chrX:24,739,454, plus strand): 5'-AAAGAAATGCTACCTGTGGTCGAATGATCTGTGATGTGGAAATTTCAGCAAAGGAATTGA[T>C]TCGTTGTAAAAGCTACCATCTGTCTGAACTTGTTCAGCAGATTCTAAAAACTGAAAGGGT-3'
Protein context (NP_001317289.1, residues 697-717): CDVEISAKEL[Ile707Thr]RCKSYHLSEL

ClinVar aggregate classification (germline): Uncertain significance (1 of 4 stars; one submission).

Submission:

Labcorp Genetics (formerly Invitae), Labcorp
Classification: Uncertain significance. Last evaluated: 2024-12-12. Review status: criteria provided, single submitter. Criteria: Invitae Variant Classification Sherloc (09022015). Collection method: clinical testing. Allele origin: germline.
Comment: This sequence change replaces isoleucine, which is neutral and non-polar, with threonine, which is neutral and polar, at codon 701 of the POLA1 protein (p.Ile701Thr). This variant is not present in population databases (gnomAD no frequency). This variant has not been reported in the literature in individuals affected with POLA1-related conditions. Invitae Evidence Modeling of protein sequence and biophysical properties (such as structural, functional, and spatial information, amino acid conservation, physicochemical variation, residue mobility, and thermodynamic stability) has been performed for this missense variant. However, the output from this modeling did not meet the statistical confidence thresholds required to predict the impact of this variant on POLA1 protein function. In summary, the available evidence is currently insufficient to determine the role of this variant in disease. Therefore, it has been classified as a Variant of Uncertain Significance.